The following is an entry in ClinVar:

ClinVar aggregate classification (germline): Uncertain significance. Review status: criteria provided, multiple submitters, no conflicts (2 of 4 stars). 2 submissions from 2 submitters: Uncertain significance (2). Last evaluated 2026-06-12.

Allele frequency attached by ClinVar (database versions not stated): TOPMed 0.00001; gnomAD exomes 0.00001; gnomAD 0.00001.
gnomAD v4.1: 9 of 1,555,860 alleles (0.00058%); highest among the groups gnomAD compares: Non-Finnish European, 0.00078%; no homozygotes.

Submissions (2):

Women's Health and Genetics/Laboratory Corporation of America, LabCorp
Classification: Uncertain significance. Last evaluated: 2026-06-12. Review status: criteria provided, single submitter. Criteria: LabCorp Variant Classification Summary - May 2015. Collection method: clinical testing. Allele origin: germline.
Comment: Variant summary: NACC1 c.586G>A (p.Gly196Ser) results in a non-conservative amino acid change in the encoded protein sequence. Algorithms developed to predict the effect of missense changes on protein structure and function are either unavailable or do not agree on the potential impact of this missense change. The variant allele was found at a frequency of 6.5e-06 in 152760 control chromosomes. The available data on variant occurrences in the general population are insufficient to allow any conclusion about variant significance. To our knowledge, no occurrence of c.586G>A in individuals affected with NACC1-related conditions and no experimental evidence demonstrating its impact on protein function have been reported. ClinVar contains an entry for this variant (Variation ID: 2904827). Based on the evidence outlined above, the variant was classified as uncertain significance.

Labcorp Genetics (formerly Invitae), Labcorp
Classification: Uncertain significance. Last evaluated: 2024-01-25. Review status: criteria provided, single submitter. Criteria: Invitae Variant Classification Sherloc (09022015). Collection method: clinical testing. Allele origin: germline.
Comment: This sequence change replaces glycine, which is neutral and non-polar, with serine, which is neutral and polar, at codon 196 of the NACC1 protein (p.Gly196Ser). The frequency data for this variant in the population databases is considered unreliable, as metrics indicate poor data quality at this position in the gnomAD database. This variant has not been reported in the literature in individuals affected with NACC1-related conditions. Advanced modeling of protein sequence and biophysical properties (such as structural, functional, and spatial information, amino acid conservation, physicochemical variation, residue mobility, and thermodynamic stability) performed at Invitae indicates that this missense variant is not expected to disrupt NACC1 protein function with a negative predictive value of 80%. In summary, the available evidence is currently insufficient to determine the role of this variant in disease. Therefore, it has been classified as a Variant of Uncertain Significance.

NM_052876.4(NACC1):c.586G>A (p.Gly196Ser)

Gene: NACC1 (nucleus accumbens associated 1; plus strand). Cytogenetic location: 19p13.13.
Variant type: single nucleotide variant.
Coding change: c.586G>A on transcript NM_052876.4 (MANE Select); coding-DNA position 586, G replaced by A.
Protein change: p.Gly196Ser; replaces glycine 196 with serine.
Molecular consequence: missense variant.
Genome position (GRCh38, 1-based): chr19:13,135,793, G>A. VCF-style: chr19-13135793-G-A. GRCh37 (hg19) VCF-style: chr19-13246607-G-A.
Other names: short protein forms G196S.
Identifiers: ClinVar variation 2904827 (VCV002904827.4), dbSNP rs1018513658, ClinGen allele CA305553050.
Genomic context (GRCh38, chr19:13,135,793, plus strand): 5'-GTGCAGTGCATGCCCGTGGCCAAGCGGCTGTGGGACAGTGGCCAGAAGGAGGCTGGGGGC[G>A]GCGGCAATGGCAGCCGCAAGATGGCCAAGTTCTCCACGCCGGACCTGGCTGCCAACCGGC-3'
Protein context (NP_443108.1, residues 186-206): WDSGQKEAGG[Gly196Ser]GNGSRKMAKF